The following is an entry in ClinVar:

NM_002335.4(LRP5):c.4408G>C (p.Val1470Leu)

Gene: LRP5 (LDL receptor related protein 5; plus strand). Cytogenetic location: 11q13.2.
Variant type: single nucleotide variant.
Coding change: c.4408G>C on transcript NM_002335.4 (MANE Select); coding-DNA position 4408, G replaced by C.
Protein change: p.Val1470Leu; replaces valine 1470 with leucine.
Molecular consequence: missense variant.
Genome position (GRCh38, 1-based): chr11:68,439,836, G>C. VCF-style: chr11-68439836-G-C. GRCh37 (hg19) VCF-style: chr11-68207304-G-C.
Other names: c.2665G>C, p.Val889Leu (NM_001291902.2); short protein forms V1470L, V889L.
Identifiers: ClinVar variation 1347124 (VCV001347124.6), dbSNP rs1193720992, ClinGen allele CA381616076.

ClinVar aggregate classification (germline): Uncertain significance (1 of 4 stars; one submission).

Submission:

Labcorp Genetics (formerly Invitae), Labcorp
Classification: Uncertain significance. Last evaluated: 2022-11-22. Review status: criteria provided, single submitter. Criteria: Invitae Variant Classification Sherloc (09022015). Collection method: clinical testing. Allele origin: germline.
Comment: ClinVar contains an entry for this variant (Variation ID: 1347124). This variant has not been reported in the literature in individuals affected with LRP5-related conditions. This variant is not present in population databases (gnomAD no frequency). This sequence change replaces valine, which is neutral and non-polar, with leucine, which is neutral and non-polar, at codon 1470 of the LRP5 protein (p.Val1470Leu). In summary, the available evidence is currently insufficient to determine the role of this variant in disease. Therefore, it has been classified as a Variant of Uncertain Significance. Advanced modeling of protein sequence and biophysical properties (such as structural, functional, and spatial information, amino acid conservation, physicochemical variation, residue mobility, and thermodynamic stability) performed at Invitae indicates that this missense variant is not expected to disrupt LRP5 protein function.